The following is an entry in ClinVar:

NM_001134407.3(GRIN2A):c.3974A>G (p.Tyr1325Cys)

Gene: GRIN2A (glutamate ionotropic receptor NMDA type subunit 2A; minus strand). Cytogenetic location: 16p13.2.
Variant type: single nucleotide variant.
Coding change: c.3974A>G on transcript NM_001134407.3 (MANE Select); coding-DNA position 3974, A replaced by G.
Protein change: p.Tyr1325Cys; replaces tyrosine 1325 with cysteine.
Molecular consequence: missense variant. On other transcripts: intron variant (1).
Genome position (GRCh38, 1-based): chr16:9,763,570, T>C on the plus strand (A>G on the coding strand, the complement: GRIN2A is on the minus strand). VCF-style: chr16-9763570-T-C. GRCh37 (hg19) VCF-style: chr16-9857427-T-C.
Other names: c.3974A>G, p.Tyr1325Cys (NM_000833.5); c.3773-142A>G (NM_001134408.2); short protein forms Y1325C.
Identifiers: ClinVar variation 3372167 (VCV003372167.1).
Genomic context (GRCh38, chr16:9,763,570, plus strand): 5'-GGGAAAAGGGAGCTTTTTTTCCCCGAGAGTTTGCTTGAGGGGACACTAAACAGGCTGCCG[T>C]AAAAATTTCCCTCCAGAAGCCGTTCCCTGTCCTTGAGGCTTATGCTCCGGGAGGGCCTGC-3'
Protein context (NP_001127879.1, residues 1315-1335): DRERLLEGNF[Tyr1325Cys]GSLFSVPSSK

ClinVar aggregate classification (germline): Uncertain significance (1 of 4 stars; one submission).

Submission:

GeneDx
Classification: Uncertain significance. Last evaluated: 2024-04-16. Review status: criteria provided, single submitter. Criteria: GeneDx Variant Classification Process June 2021. Collection method: clinical testing. Allele origin: germline. Affected: yes.
Comment: Not observed at significant frequency in large population cohorts (gnomAD); In silico analysis supports that this missense variant has a deleterious effect on protein structure/function; Has not been previously published as pathogenic or benign to our knowledge